The following is an entry in ClinVar:

NM_198578.4(LRRK2):c.5714T>C (p.Val1905Ala)

Gene: LRRK2 (leucine rich repeat kinase 2; plus strand). Cytogenetic location: 12q12.
Variant type: single nucleotide variant.
Coding change: c.5714T>C on transcript NM_198578.4 (MANE Select); coding-DNA position 5714, T replaced by C.
Protein change: p.Val1905Ala; replaces valine 1905 with alanine.
Molecular consequence: missense variant.
Genome position (GRCh38, 1-based): chr12:40,328,417, T>C. VCF-style: chr12-40328417-T-C. GRCh37 (hg19) VCF-style: chr12-40722219-T-C.
Other names: short protein forms V1905A.
Identifiers: ClinVar variation 1749256 (VCV001749256.3), dbSNP rs201807960, ClinGen allele CA384399638.

ClinVar aggregate classification (germline): Uncertain significance (1 of 4 stars; one submission).

Conditions:
Inborn genetic diseases. Identifiers: MedGen C0950123, MeSH D030342.

Allele frequency attached by ClinVar (database versions not stated): gnomAD exomes 0.00002.
gnomAD v4.1: 30 of 1,613,584 alleles (0.0019%); highest among the groups gnomAD compares: Non-Finnish European, 0.0025%; no homozygotes.

Submission:

Ambry Genetics
Classification: Uncertain significance for Inborn genetic diseases. Last evaluated: 2023-07-27. Review status: criteria provided, single submitter. Criteria: Ambry Variant Classification Scheme 2023. Collection method: clinical testing. Allele origin: germline.
Comment: The p.V1905A variant (also known as c.5714T>C), located in coding exon 39 of the LRRK2 gene, results from a T to C substitution at nucleotide position 5714. The valine at codon 1905 is replaced by alanine, an amino acid with similar properties. This amino acid position is conserved. In addition, this alteration is predicted to be deleterious by in silico analysis. Since supporting evidence is limited at this time, the clinical significance of this alteration remains unclear.